The following is an entry in ClinVar:

ClinVar aggregate classification (germline): Uncertain significance. Review status: criteria provided, multiple submitters, no conflicts (2 of 4 stars). 3 submissions from 3 submitters: Uncertain significance (3). Last evaluated 2025-05-05.

Allele frequency attached by ClinVar (database versions not stated): TOPMed 0.00006; gnomAD 0.00007; gnomAD exomes 0.00007.
gnomAD v4.1: 109 of 1,550,398 alleles (0.007%); highest among the groups gnomAD compares: African/African-American, 0.019%; 1 homozygote.

Submissions (3):

GeneDx
Classification: Uncertain significance. Last evaluated: 2025-05-05. Review status: criteria provided, single submitter. Criteria: GeneDx Variant Classification Process June 2021. Collection method: clinical testing. Allele origin: germline.
Comment: In silico analysis suggests that this missense variant does not alter protein structure/function; Has not been previously published as pathogenic or benign to our knowledge

Blueprint Genetics
Classification: Uncertain significance. Last evaluated: 2023-12-21. Review status: criteria provided, single submitter. Criteria: ACMG Guidelines, 2015. Collection method: clinical testing. Allele origin: germline.

Labcorp Genetics (formerly Invitae), Labcorp
Classification: Uncertain significance. Last evaluated: 2022-07-23. Review status: criteria provided, single submitter. Criteria: Invitae Variant Classification Sherloc (09022015). Collection method: clinical testing. Allele origin: germline.
Comment: This sequence change replaces arginine, which is basic and polar, with histidine, which is basic and polar, at codon 130 of the OTOG protein (p.Arg130His). This variant is present in population databases (rs771604601, gnomAD 0.01%). This variant has not been reported in the literature in individuals affected with OTOG-related conditions. Algorithms developed to predict the effect of missense changes on protein structure and function are either unavailable or do not agree on the potential impact of this missense change (SIFT: "Deleterious"; PolyPhen-2: "Probably Damaging"; Align-GVGD: "Class C0"). In summary, the available evidence is currently insufficient to determine the role of this variant in disease. Therefore, it has been classified as a Variant of Uncertain Significance.

NM_001292063.2(OTOG):c.353G>A (p.Arg118His)

Gene: OTOG (otogelin; plus strand). Cytogenetic location: 11p15.1.
Variant type: single nucleotide variant.
Coding change: c.353G>A on transcript NM_001292063.2 (MANE Select); coding-DNA position 353, G replaced by A.
Protein change: p.Arg118His; replaces arginine 118 with histidine.
Molecular consequence: missense variant.
Genome position (GRCh38, 1-based): chr11:17,553,179, G>A. VCF-style: chr11-17553179-G-A. GRCh37 (hg19) VCF-style: chr11-17574726-G-A.
Other names: c.389G>A (NM_001277269.1); c.389G>A, p.Arg130His (NM_001277269.2); short protein forms R130H, R118H.
Identifiers: ClinVar variation 2184145 (VCV002184145.4), dbSNP rs771604601, ClinGen allele CA218489825.
Genomic context (GRCh38, chr11:17,553,179, plus strand): 5'-ACTTGTTCTCCTGCTTCAATGGAGGCGAGTGTGTGCACCCAGCCTTCTGTGACTGCAGAC[G>A]CTTCAATGCCACTGGACCGCGCTGCCAGATGGGTGGGTCTGGGCTCCACCCCACCCCCAG-3'
Protein context (NP_001278992.1, residues 108-128): CVHPAFCDCR[Arg118His]FNATGPRCQM